The following is an entry in ClinVar:

ClinVar aggregate classification (germline): Benign/Likely benign. Review status: criteria provided, multiple submitters, no conflicts (2 of 4 stars). 6 submissions from 6 submitters: Benign (3); Likely benign (3). Last evaluated 2026-02-01.

Conditions:
Majeed syndrome (MJDS). Also called: CHRONIC RECURRENT MULTIFOCAL OSTEOMYELITIS 1, WITH CONGENITAL DYSERYTHROPOIETIC ANEMIA, WITH OR WITHOUT NEUTROPHILIC DERMATOSIS; LPIN2-Related Majeed Syndrome. Identifiers: Orphanet 77297, MedGen C1864997, MONDO:0012316, OMIM 609628.

Allele frequency attached by ClinVar (database versions not stated): gnomAD exomes 0.00030 and 0.00066; ExAC 0.00085; ESP Exome Variant Server 0.00108; 1000 Genomes Project 30x 0.00141; 1000 Genomes Project 0.00160; TOPMed 0.00221; gnomAD 0.00223 and 0.00240.

Submissions (6):

Labcorp Genetics (formerly Invitae), Labcorp
Classification: Benign for Majeed syndrome. Last evaluated: 2026-02-01. Review status: criteria provided, single submitter. Criteria: Invitae Variant Classification Sherloc (09022015). Collection method: clinical testing. Allele origin: germline.

Women's Health and Genetics/Laboratory Corporation of America, LabCorp
Classification: Likely benign. Last evaluated: 2026-01-23. Review status: criteria provided, single submitter. Criteria: LabCorp Variant Classification Summary - May 2015. Collection method: clinical testing. Allele origin: germline.

Blueprint Genetics
Classification: Likely benign. Last evaluated: 2024-11-05. Review status: criteria provided, single submitter. Criteria: ACMG Guidelines, 2015. Collection method: clinical testing. Allele origin: germline.

ARUP Laboratories, Molecular Genetics and Genomics, ARUP Laboratories
Classification: Benign for Majeed syndrome. Last evaluated: 2024-05-07. Review status: criteria provided, single submitter. Criteria: ARUP Molecular Germline Variant Investigation Process 2024. Collection method: clinical testing. Allele origin: germline.

GeneDx
Classification: Benign. Last evaluated: 2013-02-14. Review status: criteria provided, single submitter. Criteria: GeneDx Variant Classification (06012015). Collection method: clinical testing. Allele origin: germline. Affected: yes.
Comment: This variant is considered likely benign or benign based on one or more of the following criteria: it is a conservative change, it occurs at a poorly conserved position in the protein, it is predicted to be benign by multiple in silico algorithms, and/or has population frequency not consistent with disease.

PreventionGenetics, part of Exact Sciences
Classification: Likely benign. Review status: criteria provided, single submitter. Criteria: ACMG Guidelines, 2015. Collection method: clinical testing. Allele origin: germline.

NM_001375808.2(LPIN2):c.2327+11G>A

Gene: LPIN2 (lipin 2; minus strand). Cytogenetic location: 18p11.31.
Variant type: single nucleotide variant.
Coding change: c.2327+11G>A on transcript NM_001375808.2 (MANE Select); 11 bases into the intron after coding-DNA position 2327, G replaced by A.
Molecular consequence: intron variant.
Genome position (GRCh38, 1-based): chr18:2,922,036, C>T on the plus strand (G>A on the coding strand, the complement: LPIN2 is on the minus strand). VCF-style: chr18-2922036-C-T. GRCh37 (hg19) VCF-style: chr18-2922034-C-T.
Other names: c.2327+11G>A (NM_014646.2, NM_001375809.1).
Identifiers: ClinVar variation 138135 (VCV000138135.15), dbSNP rs148930095, ClinGen allele CA291961.